The following is an entry in ClinVar:

ClinVar aggregate classification (germline): Uncertain significance. Review status: criteria provided, multiple submitters, no conflicts (2 of 4 stars). 5 submissions from 5 submitters: Uncertain significance (4). 1 of the submissions does not count toward it. Last evaluated 2024-10-29.

Conditions:
Neuronal ceroid lipofuscinosis. Also called: Neuronal Ceroid Lipofuscinoses. Identifiers: Orphanet 216, Orphanet 79263, MedGen C0027877, MONDO:0016295. Disease mechanism: loss of function.
Neuronal ceroid lipofuscinosis 5 (CLN5). Also called: CLN5-Related Neuronal Ceroid-Lipofuscinosis; CEROID LIPOFUSCINOSIS, NEURONAL, 5, VARIABLE AGE AT ONSET; Neuronal ceroid lipofuscinosis Finnish variant; NEURONAL CEROID LIPOFUSCINOSIS, LATE INFANTILE, FINNISH VARIANT. Identifiers: Orphanet 168491, Orphanet 228360, MedGen C1850442, MONDO:0009745, OMIM 256731.

Allele frequency attached by ClinVar (database versions not stated): gnomAD 0.00001; TOPMed 0.00002.
gnomAD v4.1: 72 of 1,593,616 alleles (0.0045%); highest among the groups gnomAD compares: Non-Finnish European, 0.0059%; no homozygotes.

Submissions (5):

Labcorp Genetics (formerly Invitae), Labcorp
Classification: Uncertain significance for Neuronal ceroid lipofuscinosis. Last evaluated: 2024-10-29. Review status: criteria provided, single submitter. Criteria: Invitae Variant Classification Sherloc (09022015). Collection method: clinical testing. Allele origin: germline.
Comment: This sequence change replaces glycine, which is neutral and non-polar, with cysteine, which is neutral and slightly polar, at codon 95 of the CLN5 protein (p.Gly95Cys). This variant is present in population databases (rs775102823, gnomAD 0.004%). This variant has not been reported in the literature in individuals affected with CLN5-related conditions. ClinVar contains an entry for this variant (Variation ID: 451977). Invitae Evidence Modeling of protein sequence and biophysical properties (such as structural, functional, and spatial information, amino acid conservation, physicochemical variation, residue mobility, and thermodynamic stability) indicates that this missense variant is not expected to disrupt CLN5 protein function with a negative predictive value of 80%. In summary, the available evidence is currently insufficient to determine the role of this variant in disease. Therefore, it has been classified as a Variant of Uncertain Significance.

Blueprint Genetics
Classification: Uncertain significance. Last evaluated: 2024-09-09. Review status: criteria provided, single submitter. Criteria: ACMG Guidelines, 2015. Collection method: clinical testing. Allele origin: germline.

GeneDx
Classification: Uncertain significance. Last evaluated: 2024-02-15. Review status: criteria provided, single submitter. Criteria: GeneDx Variant Classification Process June 2021. Collection method: clinical testing. Allele origin: germline. Affected: yes.
Comment: Not observed at significant frequency in large population cohorts (gnomAD); In silico analysis supports that this missense variant has a deleterious effect on protein structure/function; Has not been previously published as pathogenic or benign to our knowledge

Genome-Nilou Lab
Classification: Uncertain significance for Neuronal ceroid lipofuscinosis 5. Last evaluated: 2021-09-05. Review status: criteria provided, single submitter. Criteria: ACMG Guidelines, 2015. Collection method: clinical testing. Allele origin: germline. Affected: no.

Natera, Inc.
Classification: Uncertain significance for Neuronal ceroid lipofuscinosis 5. Last evaluated: 2020-09-16. Review status: no assertion criteria provided. Collection method: clinical testing. Allele origin: germline. Not counted in ClinVar's aggregate classification.

NM_006493.4(CLN5):c.136G>T (p.Gly46Cys)

Genes: CLN5 (CLN5 lysosomal BMP synthase; plus strand), LOC130009913 (ATAC-STARR-seq lymphoblastoid silent region 5414; plus strand). Cytogenetic location: 13q22.3.
Variant type: single nucleotide variant.
Coding change: c.136G>T on transcript NM_006493.4 (MANE Select); coding-DNA position 136, G replaced by T.
Protein change: p.Gly46Cys; replaces glycine 46 with cysteine.
Molecular consequence: missense variant.
Genome position (GRCh38, 1-based): chr13:76,992,234, G>T. VCF-style: chr13-76992234-G-T. GRCh37 (hg19) VCF-style: chr13-77566369-G-T.
Other names: c.283G>T (LRG_692t1); c.136G>T, p.Gly46Cys (NM_001366624.2); short protein forms G46C.
Identifiers: ClinVar variation 451977 (VCV000451977.12), dbSNP rs775102823, ClinGen allele CA7007134.